The following is an entry in ClinVar:

ClinVar aggregate classification (germline): Likely benign (1 of 4 stars; one submission).

Conditions:
PHIP-related disorder. Also called: PHIP-related condition; PHIP-related disorders.

gnomAD v4.1: 2 of 1,612,556 alleles (0.00012%); highest among the groups gnomAD compares: Non-Finnish European, 0.00017%; no homozygotes.

Submission:

PreventionGenetics, part of Exact Sciences
Classification: Likely benign for PHIP-related condition. Last evaluated: 2025-10-16. Review status: criteria provided, single submitter. Criteria: ACMG Guidelines, 2015. Collection method: clinical testing. Allele origin: germline.
Comment: This variant is classified as likely benign based on ACMG/AMP sequence variant interpretation guidelines (Richards et al. 2015 PMID: 25741868, with internal and published modifications).

NM_017934.7(PHIP):c.4425C>T (p.Thr1475=)

Genes: IRAK1BP1 (interleukin 1 receptor associated kinase 1 binding protein 1; plus strand), PHIP (PHIP subunit of CUL4-Ring ligase complex; minus strand). Cytogenetic location: 6q14.1.
Variant type: single nucleotide variant.
Coding change: c.4425C>T on transcript NM_017934.7 (MANE Select); coding-DNA position 4425, C replaced by T.
Protein change: p.Thr1475=; no amino-acid change (threonine 1475 retained).
Molecular consequence: synonymous variant.
Genome position (GRCh38, 1-based): chr6:78,946,206, G>A on the plus strand (C>T on the coding strand, the complement: PHIP is on the minus strand). VCF-style: chr6-78946206-G-A. GRCh37 (hg19) VCF-style: chr6-79655923-G-A.
Identifiers: ClinVar variation 4996612 (VCV004996612.1).